The following is an entry in ClinVar:

NM_003126.4(SPTA1):c.5118C>T (p.His1706=)

Gene: SPTA1 (spectrin alpha, erythrocytic 1; minus strand). Cytogenetic location: 1q23.1.
Variant type: single nucleotide variant.
Coding change: c.5118C>T on transcript NM_003126.4 (MANE Select); coding-DNA position 5118, C replaced by T.
Protein change: p.His1706=; no amino-acid change (histidine 1706 retained).
Molecular consequence: synonymous variant.
Genome position (GRCh38, 1-based): chr1:158,638,104, G>A on the plus strand (C>T on the coding strand, the complement: SPTA1 is on the minus strand). VCF-style: chr1-158638104-G-A. GRCh37 (hg19) VCF-style: chr1-158607894-G-A.
Other names: p.His1706=.
Identifiers: ClinVar variation 258944 (VCV000258944.18), dbSNP rs200945419, ClinGen allele CA1182421.
Genomic context (GRCh38, chr1:158,638,104, plus strand): 5'-TTCCTCATCATCTAGATCCTGGAAGAACTGGAACAAGGCATAGGCCTCTTTCAATTTTTC[G>A]TGGTGTGCAGCTGCCAATTCTTGGACATTCAGGAAACGCTTGTTGACATTATCTTTTTTC-3'
Protein context (NP_003117.2, residues 1696-1716): LNVQELAAAH[His1706=]EKLKEAYALF

ClinVar aggregate classification (germline): Conflicting classifications of pathogenicity. Review status: criteria provided, conflicting classifications (1 of 4 stars). 8 submissions from 6 submitters: Uncertain significance (2); Benign (2); Likely benign (4). Last evaluated 2025-10-18.

Conditions:
Hereditary spherocytosis type 3. Also called: Spherocytosis type 3; SPTA1-Related Spherocytosis. Identifiers: Orphanet 822, MedGen C2678338, MONDO:0010053, OMIM 270970.
Elliptocytosis 2 (EL2). Also called: ELLIPTOCYTOSIS, RHESUS-UNLINKED TYPE. Identifiers: Orphanet 288, MedGen C1851741, MONDO:0007533, OMIM 130600.
Pyropoikilocytosis, hereditary. Also called: Pyropoikilocytosis. Identifiers: MedGen C0520739, MONDO:0009948, OMIM 266140, HP:0004839. Disease mechanism: loss of function.

Allele frequency attached by ClinVar (database versions not stated): 1000 Genomes Project 0.00020; 1000 Genomes Project 30x 0.00078; TOPMed 0.00139; gnomAD 0.00152 and 0.00159; ESP Exome Variant Server 0.00166.
gnomAD v4.1: 3,516 of 1,613,980 alleles (0.22%); highest among the groups gnomAD compares: Non-Finnish European, 0.27%; 5 homozygotes.

Submissions (8):

Labcorp Genetics (formerly Invitae), Labcorp
Classification: Benign. Last evaluated: 2025-10-18. Review status: criteria provided, single submitter. Criteria: Invitae Variant Classification Sherloc (09022015). Collection method: clinical testing. Allele origin: germline.

ARUP Laboratories, Molecular Genetics and Genomics, ARUP Laboratories
Classification: Benign. Last evaluated: 2025-07-17. Review status: criteria provided, single submitter. Criteria: ARUP Molecular Germline Variant Investigation Process 2024. Collection method: clinical testing. Allele origin: germline.

Mayo Clinic Laboratories, Mayo Clinic
Classification: Likely benign. Last evaluated: 2025-03-21. Review status: criteria provided, single submitter. Criteria: ACMG Guidelines, 2015. Collection method: clinical testing. Allele origin: germline. Observed: 3 variant alleles.
Comment: BP4, BP7

Blueprint Genetics
Classification: Likely benign. Last evaluated: 2024-11-08. Review status: criteria provided, single submitter. Criteria: ACMG Guidelines, 2015. Collection method: clinical testing. Allele origin: germline.

Illumina Laboratory Services, Illumina
Classification: Likely benign for Elliptocytosis 2. Last evaluated: 2018-01-13. Review status: criteria provided, single submitter. Criteria: ICSL Variant Classification Criteria 13 December 2019. Collection method: clinical testing. Allele origin: germline.
Comment: This variant was observed in the ICSL laboratory as part of a predisposition screen in an ostensibly healthy population. It had not been previously curated by ICSL or reported in the Human Gene Mutation Database (HGMD: prior to June 1st, 2018), and was therefore a candidate for classification through an automated scoring system. Utilizing variant allele frequency, disease prevalence and penetrance estimates, and inheritance mode, an automated score was calculated to assess if this variant is too frequent to cause the disease. Based on the score and internal cut-off values, a variant classified as likely benign is not then subjected to further curation. The score for this variant resulted in a classification of likely benign for this disease.

Illumina Laboratory Services, Illumina
Classification: Uncertain significance for Hereditary spherocytosis type 3. Last evaluated: 2018-01-13. Review status: criteria provided, single submitter. Criteria: ICSL Variant Classification Criteria 13 December 2019. Collection method: clinical testing. Allele origin: germline.

Illumina Laboratory Services, Illumina
Classification: Uncertain significance for Pyropoikilocytosis, hereditary. Last evaluated: 2018-01-13. Review status: criteria provided, single submitter. Criteria: ICSL Variant Classification Criteria 13 December 2019. Collection method: clinical testing. Allele origin: germline.

PreventionGenetics, part of Exact Sciences
Classification: Likely benign. Review status: criteria provided, single submitter. Criteria: ACMG Guidelines, 2015. Collection method: clinical testing. Allele origin: germline.